The following is an entry in ClinVar:

ClinVar aggregate classification (germline): Uncertain significance (1 of 4 stars; one submission).

Submission:

Labcorp Genetics (formerly Invitae), Labcorp
Classification: Uncertain significance. Last evaluated: 2025-09-30. Review status: criteria provided, single submitter. Criteria: Invitae Variant Classification Sherloc (09022015). Collection method: clinical testing. Allele origin: germline.
Comment: This sequence change replaces proline, which is neutral and non-polar, with serine, which is neutral and polar, at codon 39 of the KIF22 protein (p.Pro39Ser). This variant is not present in population databases (gnomAD no frequency). This variant has not been reported in the literature in individuals affected with KIF22-related conditions. An algorithm developed to predict the effect of missense changes on protein structure and function (PolyPhen-2) suggests that this variant is likely to be disruptive. In summary, the available evidence is currently insufficient to determine the role of this variant in disease. Therefore, it has been classified as a Variant of Uncertain Significance.

NM_007317.3(KIF22):c.115C>T (p.Pro39Ser)

Gene: KIF22 (kinesin family member 22; plus strand). Cytogenetic location: 16p11.2.
Variant type: single nucleotide variant.
Coding change: c.115C>T on transcript NM_007317.3 (MANE Select); coding-DNA position 115, C replaced by T.
Protein change: p.Pro39Ser; replaces proline 39 with serine.
Molecular consequence: missense variant. On other transcripts: 5 prime UTR variant (2).
Genome position (GRCh38, 1-based): chr16:29,796,937, C>T. VCF-style: chr16-29796937-C-T. GRCh37 (hg19) VCF-style: chr16-29808258-C-T.
Other names: c.-90C>T (NM_001256269.2, NM_001256270.1); short protein forms P39S.
Identifiers: ClinVar variation 4728173 (VCV004728173.1).